The following is an entry in ClinVar:

ClinVar aggregate classification (germline): Likely benign. Review status: criteria provided, single submitter (1 of 4 stars). 2 submissions from 2 submitters: Likely benign (1). 1 of the submissions does not count toward it. Last evaluated 2025-12-31.

Conditions:
Saldino-Mainzer syndrome (SRTD9). Also called: CONORENAL SYNDROME; Renal dysplasia, retinal pigmentary dystrophy, cerebellar ataxia and skeletal dysplasia; SHORT-RIB THORACIC DYSPLASIA 9 WITHOUT POLYDACTYLY; short-rib thoracic dysplasia 9 with or without polydactyly. Identifiers: Orphanet 140969, MedGen C1849437, MONDO:0009964, OMIM 266920.
IFT140-related disorder. Also called: IFT140-related condition.

Allele frequency attached by ClinVar (database versions not stated): gnomAD 0.00001; gnomAD exomes 0.00001; TOPMed 0.00001; ExAC 0.00002; ESP Exome Variant Server 0.00008.
gnomAD v4.1: 18 of 1,608,852 alleles (0.0011%); highest among the groups gnomAD compares: Middle Eastern, 0.016%; no homozygotes.

Submissions (2):

Labcorp Genetics (formerly Invitae), Labcorp
Classification: Likely benign for Saldino-Mainzer syndrome. Last evaluated: 2025-12-31. Review status: criteria provided, single submitter. Criteria: Invitae Variant Classification Sherloc (09022015). Collection method: clinical testing. Allele origin: germline.

PreventionGenetics, part of Exact Sciences
Classification: Likely benign for IFT140-related condition. Last evaluated: 2022-05-12. Review status: no assertion criteria provided. Collection method: clinical testing. Allele origin: germline. Not counted in ClinVar's aggregate classification.
Comment: This variant is classified as likely benign based on ACMG/AMP sequence variant interpretation guidelines (Richards et al. 2015 PMID: 25741868, with internal and published modifications).

NM_014714.4(IFT140):c.3099C>T (p.Tyr1033=)

Genes: IFT140 (intraflagellar transport 140; minus strand), LOC126862260 (CDK7 strongly-dependent group 2 enhancer GRCh37_chr16:1574508-1575707; plus strand). Cytogenetic location: 16p13.3.
Variant type: single nucleotide variant.
Coding change: c.3099C>T on transcript NM_014714.4 (MANE Select); coding-DNA position 3099, C replaced by T.
Protein change: p.Tyr1033=; no amino-acid change (tyrosine 1033 retained).
Molecular consequence: synonymous variant.
Genome position (GRCh38, 1-based): chr16:1,524,594, G>A on the plus strand (C>T on the coding strand, the complement: IFT140 is on the minus strand). VCF-style: chr16-1524594-G-A. GRCh37 (hg19) VCF-style: chr16-1574595-G-A.
Other names: c.3099C>T (NM_014714.3).
Identifiers: ClinVar variation 2731208 (VCV002731208.5), dbSNP rs375797184, ClinGen allele CA7813318.
Genomic context (GRCh38, chr16:1,524,594, plus strand): 5'-ACCCCGGGCCCGTGGTACCTTGCACAGGCGGATGGCATTCTTGAAGGCCTGTGCCCGGGT[G>A]TAGAAGTGCACCGCCTGCCCGACCTCCTCCTGGCTCTCGTACTGGCGGGCGAGGTGGTAG-3'
Protein context (NP_055529.2, residues 1023-1043): QEEVGQAVHF[Tyr1033=]TRAQAFKNAI